The following is an entry in ClinVar:

NM_005591.4(MRE11):c.1952T>A (p.Val651Glu)

Gene: MRE11 (MRE11 double strand break repair nuclease; minus strand). Cytogenetic location: 11q21.
Variant type: single nucleotide variant.
Coding change: c.1952T>A on transcript NM_005591.4 (MANE Select); coding-DNA position 1952, T replaced by A.
Protein change: p.Val651Glu; replaces valine 651 with glutamic acid.
Molecular consequence: missense variant.
Genome position (GRCh38, 1-based): chr11:94,435,874, A>T on the plus strand (T>A on the coding strand, the complement: MRE11 is on the minus strand). VCF-style: chr11-94435874-A-T. GRCh37 (hg19) VCF-style: chr11-94169040-A-T.
Other names: c.1949T>A, p.Val650Glu (NM_001330347.2); c.1868T>A, p.Val623Glu (NM_005590.4); short protein forms V651E, V623E, V650E.
Identifiers: ClinVar variation 232995 (VCV000232995.11), dbSNP rs876660120, ClinGen allele CA10579359.
Genomic context (GRCh38, chr11:94,435,874, plus strand): 5'-GAAAATCACTGCACCTACCTTTGATCTGTCTTTGAAGTGGTAGGAAAAATGTCTTCTTCC[A>T]CATCTGATTCATCTACCTCAATCACCTGGCAAGGAAACAAAGCAACAAACAGTTTTTGTG-3'
Protein context (NP_005582.1, residues 641-661): SEVIEVDESD[Val651Glu]EEDIFPTTSK

ClinVar aggregate classification (germline): Uncertain significance. Review status: criteria provided, multiple submitters, no conflicts (2 of 4 stars). 2 submissions from 2 submitters: Uncertain significance (2). Last evaluated 2021-08-31.

Conditions:
Hereditary cancer-predisposing syndrome. Also called: Neoplastic Syndromes, Hereditary; Tumor predisposition; Hereditary Cancer Syndrome; Hereditary neoplastic syndrome. Identifiers: Orphanet 140162, MedGen C0027672, MeSH D009386, MONDO:0015356.
Ataxia-telangiectasia-like disorder (ATLD). Identifiers: MedGen C1858391, MONDO:0011457.

Allele frequency attached by ClinVar (database versions not stated): gnomAD exomes below 0.00001 and 0.00001.
gnomAD v4.1: 3 of 1,613,966 alleles (0.00019%); highest among the groups gnomAD compares: East Asian, 0.0067%; no homozygotes.

Submissions (2):

Labcorp Genetics (formerly Invitae), Labcorp
Classification: Uncertain significance for Ataxia-telangiectasia-like disorder. Last evaluated: 2021-08-31. Review status: criteria provided, single submitter. Criteria: Invitae Variant Classification Sherloc (09022015). Collection method: clinical testing. Allele origin: germline.
Comment: This sequence change replaces valine with glutamic acid at codon 651 of the MRE11 protein (p.Val651Glu). The valine residue is weakly conserved and there is a moderate physicochemical difference between valine and glutamic acid. This variant is not present in population databases (ExAC no frequency). This variant has not been reported in the literature in individuals affected with MRE11-related conditions. ClinVar contains an entry for this variant (Variation ID: 232995). Algorithms developed to predict the effect of missense changes on protein structure and function output the following: SIFT: "Deleterious"; PolyPhen-2: "Benign"; Align-GVGD: "Class C0". The glutamic acid amino acid residue is found in multiple mammalian species, which suggests that this missense change does not adversely affect protein function. In summary, the available evidence is currently insufficient to determine the role of this variant in disease. Therefore, it has been classified as a Variant of Uncertain Significance.

Ambry Genetics
Classification: Uncertain significance for Hereditary cancer-predisposing syndrome. Last evaluated: 2019-12-31. Review status: criteria provided, single submitter. Criteria: Ambry Variant Classification Scheme 2023. Collection method: clinical testing. Allele origin: germline.
Comment: The p.V651E variant (also known as c.1952T>A), located in coding exon 17 of the MRE11A gene, results from a T to A substitution at nucleotide position 1952. The valine at codon 651 is replaced by glutamic acid, an amino acid with dissimilar properties. This amino acid position is poorly conserved in available vertebrate species. In addition, this alteration is predicted to be tolerated by in silico analysis. Since supporting evidence is limited at this time, the clinical significance of this alteration remains unclear.